The following is an entry in ClinVar:

ClinVar aggregate classification (germline): Pathogenic (0 of 4 stars; one submission).

Conditions:
Fanconi anemia complementation group A (FANCA). Also called: Fanconi anemia, group A; FANCA-Related Fanconi Anemia. Identifiers: Orphanet 84, MedGen C3469521, MONDO:0009215, OMIM 227650.

Submission:

Leiden Open Variation Database
Classification: Pathogenic for Fanconi anemia complementation group A. Last evaluated: 2020-02-28. Review status: no assertion criteria provided. Collection method: curation. Allele origin: germline. Affected: yes.
Comment: Curator: Arleen D. Auerbach. Submitter to LOVD: Johan de Winter.

Literature cited by the submitters: PubMed 22778927.

NM_000135.4(FANCA):c.1709_1715+4del

Gene: FANCA (FA complementation group A; minus strand). Cytogenetic location: 16q24.3.
Variant type: Deletion.
Coding change: c.1709_1715+4del on transcript NM_000135.4 (MANE Select); coding-DNA position 1709 through 4 bases into the intron after coding-DNA position 1715, 11 bases deleted (AGGCCAGGTAG).
Molecular consequence: splice donor variant.
Genome position (GRCh38, 1-based): chr16:89,779,865-89,779,875, CTACCTGGCCT deleted on the plus strand (AGGCCAGGTAG on the coding strand, the reverse complement: FANCA is on the minus strand); deleting any 11 consecutive bases within chr16:89,779,865-89,779,876 gives the same sequence; the c. name uses the placement nearest the transcript's 3' end. VCF-style (leftmost placement, unchanged base first): chr16-89779864-CCTACCTGGCCT-C. GRCh37 (hg19) VCF-style: chr16-89846272-CCTACCTGGCCT-C.
Other names: c.1709_1715+4del (NM_001286167.3).
Identifiers: ClinVar variation 974020 (VCV000974020.1), dbSNP rs2039641869, ClinGen allele CA1139665023.